The following is an entry in ClinVar:

NM_016507.4(CDK12):c.2797A>G (p.Lys933Glu)

Gene: CDK12 (cyclin dependent kinase 12; plus strand). Cytogenetic location: 17q12.
Variant type: single nucleotide variant.
Coding change: c.2797A>G on transcript NM_016507.4 (MANE Select); coding-DNA position 2797, A replaced by G.
Protein change: p.Lys933Glu; replaces lysine 933 with glutamic acid.
Molecular consequence: missense variant.
Genome position (GRCh38, 1-based): chr17:39,515,759, A>G. VCF-style: chr17-39515759-A-G. GRCh37 (hg19) VCF-style: chr17-37672012-A-G.
Other names: c.2797A>G, p.Lys933Glu (NM_015083.4); short protein forms K933E.
Identifiers: ClinVar variation 3830564 (VCV003830564.1).
Genomic context (GRCh38, chr17:39,515,759, plus strand): 5'-CTCTTCTGACCTCTCAATTTTACCTTTTCTAGATGTATTCTTGGGGAACTATTCACAAAG[A>G]AGCCTATTTTTCAAGCCAATCTGGAACTGGCTCAGCTAGAACTGATCAGGTACAGCTGTA-3'
Protein context (NP_057591.2, residues 923-943): GCILGELFTK[Lys933Glu]PIFQANLELA

ClinVar aggregate classification (germline): Uncertain significance (1 of 4 stars; one submission).

Submission:

Ambry Genetics
Classification: Uncertain significance. Last evaluated: 2025-01-25. Review status: criteria provided, single submitter. Criteria: Ambry Variant Classification Scheme 2023. Collection method: clinical testing. Allele origin: germline.
Comment: The p.K933E variant (also known as c.2797A>G), located in coding exon 9 of the CDK12 gene, results from an A to G substitution at nucleotide position 2797. The lysine at codon 933 is replaced by glutamic acid, an amino acid with similar properties. This amino acid position is conserved. In addition, this alteration is predicted to be deleterious by in silico analysis. Based on the available evidence, the clinical significance of this variant remains unclear.